The following is an entry in ClinVar:

ClinVar aggregate classification (germline): Conflicting classifications of pathogenicity. Review status: criteria provided, conflicting classifications (1 of 4 stars). 2 submissions from 2 submitters: Likely pathogenic (1); Uncertain significance (1). Last evaluated 2024-01-04.

Conditions:
Congenital myasthenic syndrome 4A. Also called: Myasthenic syndrome, congenital, 4a, slow-channel; MYASTHENIC SYNDROME, CONGENITAL, 4A, SLOW-CHANNEL, AUTOSOMAL RECESSIVE; CONGENITAL MYASTHENIC SYNDROME TYPE Ia1. Identifiers: Orphanet 590, MedGen C4225413, MONDO:0011600, OMIM 605809.

Allele frequency attached by ClinVar (database versions not stated): gnomAD exomes below 0.00001; ExAC 0.00001; TOPMed 0.00001; gnomAD 0.00002.

Submissions (2):

Labcorp Genetics (formerly Invitae), Labcorp
Classification: Uncertain significance for Congenital myasthenic syndrome 4A. Last evaluated: 2024-01-04. Review status: criteria provided, single submitter. Criteria: Invitae Variant Classification Sherloc (09022015). Collection method: clinical testing. Allele origin: germline.
Comment: This sequence change creates a premature translational stop signal (p.Tyr478*) in the CHRNE gene. While this is not anticipated to result in nonsense mediated decay, it is expected to disrupt the last 16 amino acid(s) of the CHRNE protein. The frequency data for this variant in the population databases is considered unreliable, as metrics indicate poor data quality at this position in the gnomAD database. This premature translational stop signal has been observed in individual(s) with CHRNE-related conditions and/or clinical features of autosomal recessive congenital myasthenic syndrome (PMID: 12417530; Invitae). This variant is also known as p.Tyr458*. ClinVar contains an entry for this variant (Variation ID: 620130). Algorithms developed to predict the effect of variants on protein structure and function are not available or were not evaluated for this variant. Experimental studies have shown that this premature translational stop signal affects CHRNE function (PMID: 12417530). Algorithms developed to predict the effect of sequence changes on RNA splicing suggest that this variant may disrupt the consensus splice site. In summary, the available evidence is currently insufficient to determine the role of this variant in disease. Therefore, it has been classified as a Variant of Uncertain Significance.

GeneDx
Classification: Likely pathogenic. Last evaluated: 2018-08-01. Review status: criteria provided, single submitter. Criteria: GeneDx Variant Classification (06012015). Collection method: clinical testing. Allele origin: germline. Affected: yes.
Comment: The Y478X variant in the CHRNE gene has been reported previously (as Y458X, due to alternate nomenclature) in the heterozygous state in two individuals from one family with AChR deficiency syndrome (Ealing et al., 2002). Functional assessment of the Y478X variant displayed reduction of surface localization of AChR compared to wild type (Ealing et al., 2002). This variant is predicted to cause loss of normal protein function through protein truncation. The Y478X variant is not observed in large population cohorts (Lek et al., 2016). We interpret Y478X as a likely pathogenic variant.

Literature cited by the submitters: PubMed 12417530 (cited by Labcorp Genetics (formerly Invitae), Labcorp).

NM_000080.4(CHRNE):c.1434C>A (p.Tyr478Ter)

Gene: CHRNE (cholinergic receptor nicotinic epsilon subunit; minus strand). Cytogenetic location: 17p13.2.
Variant type: single nucleotide variant.
Coding change: c.1434C>A on transcript NM_000080.4 (MANE Select); coding-DNA position 1434, C replaced by A.
Protein change: p.Tyr478Ter; replaces tyrosine 478 with a stop codon.
Molecular consequence: nonsense.
Genome position (GRCh38, 1-based): chr17:4,898,784, G>T on the plus strand (C>A on the coding strand, the complement: CHRNE is on the minus strand). VCF-style: chr17-4898784-G-T. GRCh37 (hg19) VCF-style: chr17-4802079-G-T.
Other names: c.1434C>A, p.Tyr478Ter (LRG_1254t1); short protein forms Y478*.
Identifiers: ClinVar variation 620130 (VCV000620130.5), dbSNP rs763943642, ClinGen allele CA8313822.